The following is an entry in ClinVar:

ClinVar aggregate classification (germline): Pathogenic. Review status: no assertion criteria provided (0 of 4 stars). 2 submissions from 2 submitters: Pathogenic (1). 1 of the submissions does not count toward it. Last evaluated 2021-03-07.

Submissions (2):

Leiden Open Variation Database
Classification: Pathogenic. Last evaluated: 2021-03-07. Review status: no assertion criteria provided. Collection method: curation. Allele origin: germline. Affected: yes.
Comment: Curator: Global Variome, with Curator vacancy. Submitter to LOVD: Julia Lopez.

Retina International
No classification provided. Review status: no classification provided. Collection method: not provided. Allele origin: not provided. Not counted in ClinVar's aggregate classification.

Literature cited by the submitters: PubMed 11139241 (cited by Leiden Open Variation Database); PubMed 16799052 (cited by Leiden Open Variation Database).

NM_000322.5(PRPH2):c.616_627del (p.Val206_Val209del)

Gene: PRPH2 (peripherin 2; minus strand). Cytogenetic location: 6p21.1.
Variant type: Deletion.
Coding change: c.616_627del on transcript NM_000322.5 (MANE Select); coding-DNA positions 616 to 627, 12 bases deleted (GTGGACGGCGTC).
Protein change: p.Val206_Val209del.
Molecular consequence: inframe deletion.
Genome position (GRCh38, 1-based): chr6:42,704,566-42,704,577, GACGCCGTCCAC deleted on the plus strand (GTGGACGGCGTC on the coding strand, the reverse complement: PRPH2 is on the minus strand). VCF-style (leftmost placement, unchanged base first): chr6-42704565-GGACGCCGTCCAC-G. GRCh37 (hg19) VCF-style: chr6-42672303-GGACGCCGTCCAC-G.
Other names: c.616_627del (NM_000322.4).
Identifiers: ClinVar variation 98684 (VCV000098684.2), dbSNP rs62645934, ClinGen allele CA226264.